The following is an entry in ClinVar:

NM_000834.5(GRIN2B):c.4001G>T (p.Ser1334Ile)

Gene: GRIN2B (glutamate ionotropic receptor NMDA type subunit 2B; minus strand). Cytogenetic location: 12p13.1.
Variant type: single nucleotide variant.
Coding change: c.4001G>T on transcript NM_000834.5 (MANE Select); coding-DNA position 4001, G replaced by T.
Protein change: p.Ser1334Ile; replaces serine 1334 with isoleucine.
Molecular consequence: missense variant.
Genome position (GRCh38, 1-based): chr12:13,563,237, C>A on the plus strand (G>T on the coding strand, the complement: GRIN2B is on the minus strand). VCF-style: chr12-13563237-C-A. GRCh37 (hg19) VCF-style: chr12-13716171-C-A.
Other names: c.4001G>T, p.Ser1334Ile (NM_001413992.1); short protein forms S1334I.
Identifiers: ClinVar variation 3898572 (VCV003898572.7).

ClinVar aggregate classification (germline): Uncertain significance (1 of 4 stars; one submission).

Submission:

CeGaT Center for Human Genetics Tuebingen
Classification: Uncertain significance. Last evaluated: 2025-04-01. Review status: criteria provided, single submitter. Criteria: CeGaT Center For Human Genetics Tuebingen Variant Classification Criteria Version 2. Collection method: clinical testing. Allele origin: germline. Affected: yes. Observed: 1 variant allele.
Comment: GRIN2B: PM2